The following is an entry in ClinVar:

ClinVar aggregate classification (germline): Pathogenic/Likely pathogenic. Review status: criteria provided, multiple submitters, no conflicts (2 of 4 stars). 3 submissions from 3 submitters: Pathogenic (2); Likely pathogenic (1). Last evaluated 2026-05-12.

Conditions:
Deficiency of iodide peroxidase (TDH2A). Also called: HYPOTHYROIDISM, CONGENITAL, DUE TO DYSHORMONOGENESIS, 2A; IODIDE PEROXIDASE DEFICIENCY; Thyroid dyshormonogenesis 2A; THYROID HORMONOGENESIS, GENETIC DEFECT IN, 2A; THYROID PEROXIDASE DEFICIENCY. Identifiers: Orphanet 95716, MedGen C1291299, MONDO:0010133, OMIM 274500.
TPO-related disorder. Also called: TPO-related condition.

Allele frequency attached by ClinVar (database versions not stated): gnomAD 0.00003 and 0.00004; gnomAD exomes 0.00003 and 0.00006; TOPMed 0.00004; ExAC 0.00005; ESP Exome Variant Server 0.00008.

Submissions (3):

PreventionGenetics, part of Exact Sciences
Classification: Pathogenic for TPO-related condition. Last evaluated: 2026-05-12. Review status: criteria provided, single submitter. Criteria: ACMG Guidelines, 2015. Collection method: clinical testing. Allele origin: germline.
Comment: The TPO c.387delC variant is predicted to result in a frameshift and premature protein termination (p.Asn129Lysfs*80). This variant has been reported in the compound heterozygous or homozygous state in individuals with congenital hypothyroidism (see for example: Stoupa et al 2018. PubMed ID: 29790453; Oliver-Petit. 2021. PubMed ID: 34248839). This variant is reported in 0.12% of alleles in individuals of Ashkenazi Jewish descent in gnomAD. Frameshift variants in TPO are expected to be pathogenic. This variant is interpreted as pathogenic.

Labcorp Genetics (formerly Invitae), Labcorp
Classification: Pathogenic. Last evaluated: 2024-02-24. Review status: criteria provided, single submitter. Criteria: Invitae Variant Classification Sherloc (09022015). Collection method: clinical testing. Allele origin: germline.
Comment: This sequence change creates a premature translational stop signal (p.Asn129Lysfs*80) in the TPO gene. It is expected to result in an absent or disrupted protein product. Loss-of-function variants in TPO are known to be pathogenic (PMID: 11061528, 23236987, 25564141). This variant is present in population databases (rs766399662, gnomAD 0.1%). This premature translational stop signal has been observed in individual(s) with clinical features of TPO-related disorders (PMID: 29790453, 34248839). ClinVar contains an entry for this variant (Variation ID: 585086). For these reasons, this variant has been classified as Pathogenic.

Department of Pathology and Laboratory Medicine, Sinai Health System
Classification: Likely pathogenic for Deficiency of iodide peroxidase. Last evaluated: 2023-03-29. Review status: criteria provided, single submitter. Criteria: ACMG Guidelines, 2015. Collection method: research. Allele origin: germline.

Literature cited by the submitters: PubMed 11061528 (cited by Labcorp Genetics (formerly Invitae), Labcorp); PubMed 23236987 (cited by Labcorp Genetics (formerly Invitae), Labcorp); PubMed 25564141 (cited by Labcorp Genetics (formerly Invitae), Labcorp); PubMed 29790453 (cited by Labcorp Genetics (formerly Invitae), Labcorp); PubMed 34248839 (cited by Labcorp Genetics (formerly Invitae), Labcorp).

NM_001206744.2(TPO):c.387del (p.Asn129fs)

Gene: TPO (thyroid peroxidase; plus strand). Cytogenetic location: 2p25.3.
Variant type: Deletion.
Coding change: c.387del on transcript NM_001206744.2 (MANE Select); coding-DNA position 387, one base deleted (C; older notation c.387delC).
Protein change: p.Asn129fs; shifts the reading frame from asparagine 129.
Molecular consequence: frameshift variant.
Genome position (GRCh38, 1-based): chr2:1,436,289, C deleted. VCF-style (leftmost placement, unchanged base first): chr2-1436288-AC-A. GRCh37 (hg19) VCF-style: chr2-1440060-AC-A.
Other names: c.387delC (NM_000547.5); c.387del, p.Asn129fs (NM_000547.6, NM_001206745.2, NM_175719.4 and 2 more transcripts); short protein forms N129fs.
Identifiers: ClinVar variation 585086 (VCV000585086.8), dbSNP rs766399662, ClinGen allele CA1511409.